The following is an entry in ClinVar:

NM_170784.3(MKKS):c.1251G>A (p.Leu417=)

Gene: MKKS (MKKS centrosomal shuttling protein; minus strand). Cytogenetic location: 20p12.2.
Variant type: single nucleotide variant.
Coding change: c.1251G>A on transcript NM_170784.3 (MANE Select); coding-DNA position 1251, G replaced by A.
Protein change: p.Leu417=; no amino-acid change (leucine 417 retained).
Molecular consequence: synonymous variant. On other transcripts: non-coding transcript variant (1).
Genome position (GRCh38, 1-based): chr20:10,407,637, C>T on the plus strand (G>A on the coding strand, the complement: MKKS is on the minus strand). VCF-style: chr20-10407637-C-T. GRCh37 (hg19) VCF-style: chr20-10388285-C-T.
Other names: c.1251G>A, p.Leu417= (NM_018848.3).
Identifiers: ClinVar variation 4991297 (VCV004991297.1).

ClinVar aggregate classification (germline): Likely benign (1 of 4 stars; one submission).

Conditions:
MKKS-related disorder. Also called: MKKS-related disorders; MKKS-related condition.

Submission:

PreventionGenetics, part of Exact Sciences
Classification: Likely benign for MKKS-related condition. Last evaluated: 2026-04-15. Review status: criteria provided, single submitter. Criteria: ACMG Guidelines, 2015. Collection method: clinical testing. Allele origin: germline.
Comment: This variant is classified as likely benign based on ACMG/AMP sequence variant interpretation guidelines (Richards et al. 2015 PMID: 25741868, with internal and published modifications).